The following is an entry in ClinVar:

ClinVar aggregate classification (germline): Uncertain significance. Review status: criteria provided, multiple submitters, no conflicts (2 of 4 stars). 2 submissions from 2 submitters: Uncertain significance (2). Last evaluated 2025-09-09.

Conditions:
Inborn genetic diseases. Identifiers: MedGen C0950123, MeSH D030342.

Submissions (2):

Labcorp Genetics (formerly Invitae), Labcorp
Classification: Uncertain significance. Last evaluated: 2025-09-09. Review status: criteria provided, single submitter. Criteria: Invitae Variant Classification Sherloc (09022015). Collection method: clinical testing. Allele origin: germline.
Comment: This sequence change replaces methionine, which is neutral and non-polar, with isoleucine, which is neutral and non-polar, at codon 1327 of the LAMB1 protein (p.Met1327Ile). This variant is not present in population databases (gnomAD no frequency). This variant has not been reported in the literature in individuals affected with LAMB1-related conditions. ClinVar contains an entry for this variant (Variation ID: 2171244). An algorithm developed to predict the effect of missense changes on protein structure and function outputs the following: PolyPhen-2: "Benign". The isoleucine amino acid residue is found in multiple mammalian species, which suggests that this missense change does not adversely affect protein function. In summary, the available evidence is currently insufficient to determine the role of this variant in disease. Therefore, it has been classified as a Variant of Uncertain Significance.

Ambry Genetics
Classification: Uncertain significance for Inborn genetic diseases. Last evaluated: 2025-08-22. Review status: criteria provided, single submitter. Criteria: Ambry Variant Classification Scheme 2023. Collection method: clinical testing. Allele origin: germline.

NM_002291.3(LAMB1):c.3981G>A (p.Met1327Ile)

Gene: LAMB1 (laminin subunit beta 1; minus strand). Cytogenetic location: 7q31.1.
Variant type: single nucleotide variant.
Coding change: c.3981G>A on transcript NM_002291.3 (MANE Select); coding-DNA position 3981, G replaced by A.
Protein change: p.Met1327Ile; replaces methionine 1327 with isoleucine.
Molecular consequence: missense variant.
Genome position (GRCh38, 1-based): chr7:107,935,622, C>T on the plus strand (G>A on the coding strand, the complement: LAMB1 is on the minus strand). VCF-style: chr7-107935622-C-T. GRCh37 (hg19) VCF-style: chr7-107576067-C-T.
Other names: c.3981G>A (NM_002291.2); short protein forms M1327I.
Identifiers: ClinVar variation 2171244 (VCV002171244.5), dbSNP rs144295967, ClinGen allele CA368866333.